The following is an entry in ClinVar:

NM_000540.3(RYR1):c.7835+5_7835+24delinsGGC

Gene: RYR1 (ryanodine receptor 1; plus strand). Cytogenetic location: 19q13.2.
Variant type: Indel.
Coding change: c.7835+5_7835+24delinsGGC on transcript NM_000540.3 (MANE Select); bases 5 to 24 of the intron after coding-DNA position 7835, AGCGGGGCAGGCTTCAGGGT replaced by GGC.
Molecular consequence: intron variant.
Genome position (GRCh38, 1-based): chr19:38,502,732-38,502,751, AGCGGGGCAGGCTTCAGGGT replaced by GGC. VCF-style: chr19-38502732-AGCGGGGCAGGCTTCAGGGT-GGC. GRCh37 (hg19) VCF-style: chr19-38993372-AGCGGGGCAGGCTTCAGGGT-GGC.
Other names: c.7835+5_7835+24delinsGGC (NM_001042723.2).
Identifiers: ClinVar variation 4758542 (VCV004758542.1).

ClinVar aggregate classification (germline): Uncertain significance (1 of 4 stars; one submission).

Conditions:
Malignant hyperthermia, susceptibility to, 1 (MHS1). Also called: RYR1-Related Malignant Hyperthermia Susceptibility; Malignant hyperthermia suceptibility 1; Anesthesia related hyperthermia; Malignant hyperpyrexia; Fulminating hyperpyrexia; Pharmacogenic myopathy. Identifiers: Orphanet 423, MedGen C2930980, MONDO:0007783, OMIM 145600.

Submission:

Color Diagnostics, LLC DBA Color Health
Classification: Uncertain significance for Malignant hyperthermia, susceptibility to, 1. Last evaluated: 2025-07-22. Review status: criteria provided, single submitter. Criteria: ACMG Guidelines, 2015. Collection method: clinical testing. Allele origin: germline.
Comment: This variant causes the deletion of 20 nucleotides and insertion of 3 nucleotides in intron 48 of the RYR1 gene. To our knowledge, RNA studies have not been reported for this variant. This variant has not been reported in individuals affected with RYR1-related disorders in the literature. This variant has not been identified in the general population by the Genome Aggregation Database (gnomAD). The available evidence is insufficient to determine the role of this variant in disease conclusively. Therefore, this variant is classified as a Variant of Uncertain Significance.